The following is an entry in ClinVar:

NM_001194998.2(CEP152):c.691+9C>T

Gene: CEP152 (centrosomal protein 152; minus strand). Cytogenetic location: 15q21.1.
Variant type: single nucleotide variant.
Coding change: c.691+9C>T on transcript NM_001194998.2 (MANE Select); 9 bases into the intron after coding-DNA position 691, C replaced by T.
Molecular consequence: intron variant.
Genome position (GRCh38, 1-based): chr15:48,796,001, G>A on the plus strand (C>T on the coding strand, the complement: CEP152 is on the minus strand). VCF-style: chr15-48796001-G-A. GRCh37 (hg19) VCF-style: chr15-49088198-G-A.
Other names: c.691+9C>T (NM_014985.4).
Identifiers: ClinVar variation 136720 (VCV000136720.26), dbSNP rs77732888, ClinGen allele CA171740.

ClinVar aggregate classification (germline): Benign. Review status: criteria provided, multiple submitters, no conflicts (2 of 4 stars). 10 submissions from 9 submitters: Benign (8). 2 of the submissions do not count toward it. Last evaluated 2026-02-04.

Conditions:
Microcephaly 9, primary, autosomal recessive. Identifiers: Orphanet 2512, MedGen C3553886, MONDO:0013923, OMIM 614852.
Seckel syndrome 5 (SCKL5). Identifiers: Orphanet 808, MedGen C3151187, MONDO:0013443, OMIM 613823.

Allele frequency attached by ClinVar (database versions not stated): 1000 Genomes Project 0.04153; 1000 Genomes Project 30x 0.04263; gnomAD 0.07005 and 0.07084; TOPMed 0.07108; gnomAD exomes 0.07126 and 0.08694; ExAC 0.07176; ESP Exome Variant Server 0.08177.
gnomAD v4.1: 137,638 of 1,611,154 alleles (8.5%); highest among the groups gnomAD compares: Middle Eastern, 15%; 6,593 homozygotes.

Submissions (10):

Labcorp Genetics (formerly Invitae), Labcorp
Classification: Benign. Last evaluated: 2026-02-04. Review status: criteria provided, single submitter. Criteria: Invitae Variant Classification Sherloc (09022015). Collection method: clinical testing. Allele origin: germline.

Blueprint Genetics
Classification: Benign. Last evaluated: 2024-11-27. Review status: criteria provided, single submitter. Criteria: ACMG Guidelines, 2015. Collection method: clinical testing. Allele origin: germline.

Illumina Laboratory Services, Illumina
Classification: Benign for Microcephaly 9, primary, autosomal recessive. Last evaluated: 2018-01-13. Review status: criteria provided, single submitter. Criteria: ICSL Variant Classification Criteria 13 December 2019. Collection method: clinical testing. Allele origin: germline.
Comment: This variant was observed in the ICSL laboratory as part of a predisposition screen in an ostensibly healthy population. It had not been previously curated by ICSL or reported in the Human Gene Mutation Database (HGMD: prior to June 1st, 2018), and was therefore a candidate for classification through an automated scoring system. Utilizing variant allele frequency, disease prevalence and penetrance estimates, and inheritance mode, an automated score was calculated to assess if this variant is too frequent to cause the disease. Based on the score and internal cut-off values, a variant classified as benign is not then subjected to further curation. The score for this variant resulted in a classification of benign for this disease.

Illumina Laboratory Services, Illumina
Classification: Benign for Seckel syndrome 5. Last evaluated: 2018-01-13. Review status: criteria provided, single submitter. Criteria: ICSL Variant Classification Criteria 13 December 2019. Collection method: clinical testing. Allele origin: germline.
Comment: the same text as in the submission from Illumina Laboratory Services, Illumina above.

Eurofins Ntd Llc (ga)
Classification: Benign. Last evaluated: 2013-12-20. Review status: criteria provided, single submitter. Criteria: EGL Classification Definitions 2015. Collection method: clinical testing. Allele origin: germline. Observed: 1 variant allele, 1 heterozygote.

GeneDx
Classification: Benign. Last evaluated: 2013-12-16. Review status: criteria provided, single submitter. Criteria: GeneDx Variant Classification (06012015). Collection method: clinical testing. Allele origin: germline. Affected: yes.
Comment: This variant is considered likely benign or benign based on one or more of the following criteria: it is a conservative change, it occurs at a poorly conserved position in the protein, it is predicted to be benign by multiple in silico algorithms, and/or has population frequency not consistent with disease.

Genetic Services Laboratory, University of Chicago
Classification: Benign. Last evaluated: 2013-02-08. Review status: criteria provided, single submitter. Criteria: ACMG Guidelines, 2007. Collection method: clinical testing. Allele origin: germline. Inheritance: Autosomal recessive inheritance.

Breakthrough Genomics
Classification: Benign. Review status: criteria provided, single submitter. Criteria: ACMG Guidelines, 2015. Collection method: not provided. Allele origin: germline. Inheritance: Autosomal recessive inheritance. Affected: yes.

Clinical Genetics DNA and cytogenetics Diagnostics Lab, Erasmus MC, Erasmus Medical Center
Classification: Benign. Review status: no assertion criteria provided. Collection method: clinical testing. Allele origin: germline. Affected: yes. Study: VKGL Data-share Consensus. Not counted in ClinVar's aggregate classification.

Diagnostic Laboratory, Department of Genetics, University Medical Center Groningen
Classification: Benign. Review status: no assertion criteria provided. Collection method: clinical testing. Allele origin: germline. Affected: yes. Study: VKGL Data-share Consensus. Not counted in ClinVar's aggregate classification.